The following is an entry in ClinVar:

ClinVar aggregate classification (germline): Uncertain significance (1 of 4 stars; one submission).

Conditions:
Inborn genetic diseases. Identifiers: MedGen C0950123, MeSH D030342.

Submission:

Ambry Genetics
Classification: Uncertain significance for Inborn genetic diseases. Last evaluated: 2025-10-22. Review status: criteria provided, single submitter. Criteria: Ambry Variant Classification Scheme 2023. Collection method: clinical testing. Allele origin: germline.
Comment: The p.E1207D variant (also known as c.3621G>T), located in coding exon 17 of the MECOM gene, results from a G to T substitution at nucleotide position 3621. The glutamic acid at codon 1207 is replaced by aspartic acid, an amino acid with highly similar properties. This amino acid position is conserved. In addition, this alteration is predicted to be tolerated by in silico analysis. Based on the available evidence, the clinical significance of this variant remains unclear.

NM_004991.4(MECOM):c.3621G>T (p.Glu1207Asp)

Gene: MECOM (MDS1 and EVI1 complex locus; minus strand). Cytogenetic location: 3q26.2.
Variant type: single nucleotide variant.
Coding change: c.3621G>T on transcript NM_004991.4 (MANE Select); coding-DNA position 3621, G replaced by T.
Protein change: p.Glu1207Asp; replaces glutamic acid 1207 with aspartic acid.
Molecular consequence: missense variant.
Genome position (GRCh38, 1-based): chr3:169,085,008, C>A on the plus strand (G>T on the coding strand, the complement: MECOM is on the minus strand). VCF-style: chr3-169085008-C-A. GRCh37 (hg19) VCF-style: chr3-168802796-C-A.
Other names: c.3252G>T, p.Glu1084Asp (NM_001105077.4); c.3057G>T, p.Glu1019Asp (NM_001105078.4, NM_001205194.2, NM_001366469.2 and 1 more transcripts); c.3033G>T, p.Glu1011Asp (NM_001163999.2, NM_001366470.2); c.3030G>T, p.Glu1010Asp (NM_001164000.2, NM_001366471.2, NM_001366472.2); c.3594G>T, p.Glu1198Asp (NM_001366466.2); c.3060G>T, p.Glu1020Asp (NM_001366467.2, NM_001366468.2); c.2622G>T, p.Glu874Asp (NM_001366473.2); c.2058G>T, p.Glu686Asp (NM_001366474.2); short protein forms E1019D, E1207D, E1010D, E1084D, E1198D, E686D, E1020D, E1011D.
Identifiers: ClinVar variation 4624658 (VCV004624658.1).